The following is an entry in ClinVar:

NM_006031.6(PCNT):c.4585-2A>T

Gene: PCNT (pericentrin; plus strand). Cytogenetic location: 21q22.3.
Variant type: single nucleotide variant.
Coding change: c.4585-2A>T on transcript NM_006031.6 (MANE Select); the canonical splice acceptor site of the intron before coding-DNA position 4585, A replaced by T.
Molecular consequence: splice acceptor variant.
Genome position (GRCh38, 1-based): chr21:46,399,588, A>T. VCF-style: chr21-46399588-A-T. GRCh37 (hg19) VCF-style: chr21-47819502-A-T.
Other names: c.4231-2A>T (NM_001315529.2).
Identifiers: ClinVar variation 2011024 (VCV002011024.4), dbSNP rs759958419, ClinGen allele CA10079736.
Genomic context (GRCh38, chr21:46,399,588, plus strand): 5'-TTGGAAAATGGGTTTTTATAAAACATTCTATTGTATTCCTCAAGCATTTTTTGTTGTTTT[A>T]GGTTGAGTTGTTACAACAAAAGTTGAGAGAAAAGTTGGATGAATTTAATGAATTGGCTAT-3'

ClinVar aggregate classification (germline): Likely pathogenic (1 of 4 stars; one submission).

Allele frequency attached by ClinVar (database versions not stated): ExAC 0.00004.
gnomAD v4.1: 1 of 1,605,762 alleles (0.000062%); no homozygotes.

Submission:

Labcorp Genetics (formerly Invitae), Labcorp
Classification: Likely pathogenic. Last evaluated: 2022-06-30. Review status: criteria provided, single submitter. Criteria: Invitae Variant Classification Sherloc (09022015). Collection method: clinical testing. Allele origin: germline.
Comment: In summary, the currently available evidence indicates that the variant is pathogenic, but additional data are needed to prove that conclusively. Therefore, this variant has been classified as Likely Pathogenic. Algorithms developed to predict the effect of sequence changes on RNA splicing suggest that this variant may disrupt the consensus splice site. This variant has not been reported in the literature in individuals affected with PCNT-related conditions. This variant is not present in population databases (gnomAD no frequency). This sequence change affects an acceptor splice site in intron 24 of the PCNT gene. It is expected to disrupt RNA splicing. Variants that disrupt the donor or acceptor splice site typically lead to a loss of protein function (PMID: 16199547), and loss-of-function variants in PCNT are known to be pathogenic (PMID: 18174396, 22821869).

Literature cited by the submitters: PubMed 16199547; PubMed 18174396; PubMed 22821869.